The following is an entry in ClinVar:

NM_000038.6(APC):c.2021T>A (p.Leu674Ter)

Gene: APC (APC regulator of Wnt signaling pathway; plus strand). Cytogenetic location: 5q22.2.
Variant type: single nucleotide variant.
Coding change: c.2021T>A on transcript NM_000038.6 (MANE Select); coding-DNA position 2021, T replaced by A.
Protein change: p.Leu674Ter; replaces leucine 674 with a stop codon.
Molecular consequence: nonsense.
Genome position (GRCh38, 1-based): chr5:112,837,615, T>A. VCF-style: chr5-112837615-T-A. GRCh37 (hg19) VCF-style: chr5-112173312-T-A.
Other names: c.2021T>A, p.Leu674Ter (NM_001127510.3, NM_001354895.2); c.1967T>A, p.Leu656Ter (NM_001127511.3); c.2075T>A, p.Leu692Ter (NM_001354896.2); c.2051T>A, p.Leu684Ter (NM_001354897.2); c.1946T>A, p.Leu649Ter (NM_001354898.2); c.1937T>A, p.Leu646Ter (NM_001354899.2); c.1898T>A, p.Leu633Ter (NM_001354900.2); c.1844T>A, p.Leu615Ter (NM_001354901.2); and 5 more; short protein forms L656*, L674*, L391*, L633*, L684*, L514*, L583*, L646*.
Identifiers: ClinVar variation 537472 (VCV000537472.10), dbSNP rs1554083898, ClinGen allele CA16025737.

ClinVar aggregate classification (germline): Pathogenic (1 of 4 stars; one submission).

Conditions:
Familial adenomatous polyposis 1 (FAP1). Also called: FAMILIAL ADENOMATOUS POLYPOSIS 1, ATTENUATED; POLYPOSIS, ADENOMATOUS INTESTINAL. Identifiers: MedGen C2713442, MONDO:0021056, OMIM 175100. Disease mechanism: loss of function.

Submission:

Labcorp Genetics (formerly Invitae), Labcorp
Classification: Pathogenic for Familial adenomatous polyposis 1. Last evaluated: 2017-09-05. Review status: criteria provided, single submitter. Criteria: Invitae Variant Classification Sherloc (09022015). Collection method: clinical testing. Allele origin: germline.
Comment: This sequence change results in a premature translational stop signal in the APC gene (p.Leu674*). While this is not anticipated to result in nonsense mediated decay, it is expected to delete the last 2,170 amino acids of the APC protein. This variant is not present in population databases (ExAC no frequency). This variant has not been reported in the literature in individuals with APC-related disease. Several different truncations downstream of this variant (p.Trp699*, p.Ser932*, p.Ala1050Glufs*6, p.Gln1062*) have been determined to be pathogenic (PMID: 10083733, 15771908, 20223039, 20685668, 23460355). This suggests that deletion of this region of the APC protein is causative of disease. For these reasons, this variant has been classified as Pathogenic.

Literature cited by the submitters: PubMed 10083733; PubMed 15771908; PubMed 20223039; PubMed 20685668; PubMed 23460355.